The following is an entry in ClinVar:

NM_001034853.2(RPGR):c.133G>T (p.Glu45Ter)

Gene: RPGR (retinitis pigmentosa GTPase regulator; minus strand). Cytogenetic location: Xp11.4.
Variant type: single nucleotide variant.
Coding change: c.133G>T on transcript NM_001034853.2 (MANE Select); coding-DNA position 133, G replaced by T.
Protein change: p.Glu45Ter; replaces glutamic acid 45 with a stop codon.
Molecular consequence: nonsense. On other transcripts: non-coding transcript variant (6).
Genome position (GRCh38, 1-based): chrX:38,323,420, C>A on the plus strand (G>T on the coding strand, the complement: RPGR is on the minus strand). VCF-style: chrX-38323420-C-A. GRCh37 (hg19) VCF-style: chrX-38182673-C-A.
Other names: NM_001034853.2(RPGR):c.133G>T; p.Glu45Ter; c.133G>T, p.Glu45Ter (NM_000328.3, NM_001367245.1, NM_001367246.1 and 4 more transcripts); c.163G>T, p.Glu55Ter (NM_001367248.1); short protein forms E45*, E55*.
Identifiers: ClinVar variation 547072 (VCV000547072.45), dbSNP rs1555968524, ClinGen allele CA412745769.

ClinVar aggregate classification (germline): Likely pathogenic. Review status: reviewed by expert panel (3 of 4 stars). 3 submissions from 3 submitters: Likely pathogenic (1). 2 of the submissions do not count toward it. Last evaluated 2026-11-20.

Conditions:
RPGR-related retinopathy. Also called: RPGR retinopathy. Identifiers: MedGen CN305589, MONDO:0100437.
Retinitis pigmentosa (RP). Identifiers: Orphanet 791, MedGen C0035334, MeSH D012174, MONDO:0019200, OMIM 268000. Inheritance: Autosomal dominant, autosomal recessive and X linked inheritance.

Submissions (3):

ClinGen X-linked Inherited Retinal Disease Variant Curation Expert Panel, ClinGen
Classification: Likely pathogenic for RPGR-related retinopathy. Last evaluated: 2026-11-20. Review status: reviewed by expert panel. Criteria: ClinGen X LinkedIRD ACMG Specifications RPGR V1.0.0. Collection method: curation. Allele origin: germline. Inheritance: X-linked inheritance.
Comment: The NM_001034853.2(RPGR):c.133G>T variant is a nonsense variant that introduces a premature stop codon between amino acids 1-1132 that is predicted to either trigger nonsense-mediated decay or to disrupt a critical C-terminal region required for proper glutamylation of RPGR (PVS1, PMID: 36445968). This variant is absent from hemizygous individuals in gnomAD v4.1.2 (PM2_Supporting). This variant has been reported in at least one proband meeting the PS4 requirement of being a male aged <30y with visual impairment and/or ERG/FAF (PMID: 32531858). PS4_Supporting requires at least 2 unrelated probands, so this criterion was not met. In summary, this variant is classified as likely pathogenic for RPGR-related retinopathy based on the ACMG/AMP criteria applied, as specified by the ClinGen X-linked IRD VCEP: PVS1 and PM2_Supporting.

Molecular Genetics Laboratory, Institute for Ophthalmic Research
Classification: Pathogenic for Retinitis pigmentosa. Last evaluated: 2020-01-09. Review status: criteria provided, single submitter. Criteria: ACMG Guidelines, 2015. Collection method: research. Allele origin: germline. Affected: yes. Not counted in ClinVar's aggregate classification.

CeGaT Center for Human Genetics Tuebingen
Classification: Likely pathogenic. Last evaluated: 2017-11-01. Review status: criteria provided, single submitter. Criteria: CeGaT Center For Human Genetics Tuebingen Variant Classification Criteria Version 2. Collection method: clinical testing. Allele origin: germline. Affected: yes. Observed: 1 variant allele. Not counted in ClinVar's aggregate classification.